The following is an entry in ClinVar:

ClinVar aggregate classification (germline): Pathogenic. Review status: criteria provided, multiple submitters, no conflicts (2 of 4 stars). 4 submissions from 4 submitters: Pathogenic (4). Last evaluated 2024-12-13.

Conditions:
Familial adenomatous polyposis 1 (FAP1). Also called: FAMILIAL ADENOMATOUS POLYPOSIS 1, ATTENUATED; POLYPOSIS, ADENOMATOUS INTESTINAL. Identifiers: MedGen C2713442, MONDO:0021056, OMIM 175100. Disease mechanism: loss of function.
Hereditary cancer-predisposing syndrome. Also called: Neoplastic Syndromes, Hereditary; Tumor predisposition; Hereditary Cancer Syndrome; Hereditary neoplastic syndrome. Identifiers: Orphanet 140162, MedGen C0027672, MeSH D009386, MONDO:0015356.

Submissions (4):

Ambry Genetics
Classification: Pathogenic for Hereditary cancer-predisposing syndrome. Last evaluated: 2024-12-13. Review status: criteria provided, single submitter. Criteria: Ambry Variant Classification Scheme 2023. Collection method: clinical testing. Allele origin: germline.
Comment: The p.Q542* pathogenic mutation (also known as c.1624C>T), located in coding exon 12 of the APC gene, results from a C to T substitution at nucleotide position 1624. This changes the amino acid from a glutamine to a stop codon within coding exon 12. In silico splice site analysis predicts that this alteration will result in the creation or strengthening of a novel splice donor site. RNA studies have demonstrated that this alteration results in abnormal splicing in the set of samples tested (Ambry internal data). This alteration was identified in multiple patients with a clinical diagnosis of FAP or AFAP (Ambry internal data; Friedl et al. Hered Cancer Clin Pract. 2005 Sep;3:95-114; Stekrova et al. BMC Med. Genet. 2007 Apr;8:16). In addition to the clinical data presented in the literature, this alteration is expected to result in loss of function by premature protein truncation or nonsense-mediated mRNA decay. As such, this alteration is interpreted as a disease-causing mutation.

Labcorp Genetics (formerly Invitae), Labcorp
Classification: Pathogenic for Familial adenomatous polyposis 1. Last evaluated: 2023-08-02. Review status: criteria provided, single submitter. Criteria: Invitae Variant Classification Sherloc (09022015). Collection method: clinical testing. Allele origin: germline.
Comment: For these reasons, this variant has been classified as Pathogenic. RNA analysis performed to evaluate the impact of this premature translational stop signal on mRNA splicing indicates it does not significantly alter splicing (Invitae). ClinVar contains an entry for this variant (Variation ID: 819693). This premature translational stop signal has been observed in individual(s) with clinical features of familial adenomatous polyposis (PMID: 17411426, 20223039). This variant is not present in population databases (gnomAD no frequency). This sequence change creates a premature translational stop signal (p.Gln542*) in the APC gene. It is expected to result in an absent or disrupted protein product. Loss-of-function variants in APC are known to be pathogenic (PMID: 17963004, 20685668).

Myriad Genetics, Inc.
Classification: Pathogenic for Familial adenomatous polyposis 1. Last evaluated: 2023-05-02. Review status: criteria provided, single submitter. Criteria: Myriad Autosomal Dominant, Autosomal Recessive and X-Linked Classification Criteria (2023). Collection method: clinical testing. Allele origin: unknown.
Comment: This variant is considered pathogenic. This variant creates a termination codon and is predicted to result in premature protein truncation.

Baylor Genetics
Classification: Pathogenic for Familial adenomatous polyposis 1. Last evaluated: 2022-10-02. Review status: criteria provided, single submitter. Criteria: ACMG Guidelines, 2015. Collection method: clinical testing. Allele origin: unknown.

Literature cited by the submitters: PubMed 17411426 (cited by Labcorp Genetics (formerly Invitae), Labcorp); PubMed 20223039 (cited by Labcorp Genetics (formerly Invitae), Labcorp); PubMed 17963004 (cited by Labcorp Genetics (formerly Invitae), Labcorp); PubMed 20685668 (cited by Labcorp Genetics (formerly Invitae), Labcorp).

NM_000038.6(APC):c.1624C>T (p.Gln542Ter)

Gene: APC (APC regulator of Wnt signaling pathway; plus strand). Cytogenetic location: 5q22.2.
Variant type: single nucleotide variant.
Coding change: c.1624C>T on transcript NM_000038.6 (MANE Select); coding-DNA position 1624, C replaced by T.
Protein change: p.Gln542Ter; replaces glutamine 542 with a stop codon.
Molecular consequence: nonsense.
Genome position (GRCh38, 1-based): chr5:112,828,004, C>T. VCF-style: chr5-112828004-C-T. GRCh37 (hg19) VCF-style: chr5-112163701-C-T.
Other names: c.1624C>T, p.Gln542Ter (NM_001127510.3, NM_001354895.2); c.1570C>T, p.Gln524Ter (NM_001127511.3); c.1678C>T, p.Gln560Ter (NM_001354896.2); c.1654C>T, p.Gln552Ter (NM_001354897.2); c.1549C>T, p.Gln517Ter (NM_001354898.2); c.1540C>T, p.Gln514Ter (NM_001354899.2); c.1501C>T, p.Gln501Ter (NM_001354900.2); c.1447C>T, p.Gln483Ter (NM_001354901.2); and 5 more; short protein forms Q517*, Q560*, Q259*, Q501*, Q524*, Q552*, Q416*, Q451*.
Identifiers: ClinVar variation 819693 (VCV000819693.11), dbSNP rs1580569680, ClinGen allele CA16024856.
Genomic context (GRCh38, chr5:112,828,004, plus strand): 5'-ATGAAAGGCTGCATGAGAGCACTTGTGGCCCAACTAAAATCTGAAAGTGAAGACTTACAG[C>T]AGGTACTATTTAGAATTTCACCTGTTTTTCTTTTTTCTCTTTTTCTTTGAGGCAGGGTCT-3'